The following is an entry in ClinVar:

NM_024642.5(GALNT12):c.1663T>G (p.Ser555Ala)

Gene: GALNT12 (polypeptide N-acetylgalactosaminyltransferase 12; plus strand). Cytogenetic location: 9q22.33.
Variant type: single nucleotide variant.
Coding change: c.1663T>G on transcript NM_024642.5 (MANE Select); coding-DNA position 1663, T replaced by G.
Protein change: p.Ser555Ala; replaces serine 555 with alanine.
Molecular consequence: missense variant.
Genome position (GRCh38, 1-based): chr9:98,849,009, T>G. VCF-style: chr9-98849009-T-G. GRCh37 (hg19) VCF-style: chr9-101611291-T-G.
Other names: short protein forms S555A.
Identifiers: ClinVar variation 1001237 (VCV001001237.8), dbSNP rs1836485664, ClinGen allele CA374223021.
Genomic context (GRCh38, chr9:98,849,009, plus strand): 5'-TAGGATGGATCTTTATTTCACGAACAGTCCAAGAAATGTGTCCAGGCTGCGAGGAAGGAG[T>G]CGAGTGACAGTTTCGTTCCACTCTTACGAGACTGCACCAACTCGGATCATCAGAAATGGT-3'
Protein context (NP_078918.3, residues 545-565): KKCVQAARKE[Ser555Ala]SDSFVPLLRD

ClinVar aggregate classification (germline): Uncertain significance (1 of 4 stars; one submission).

Allele frequency attached by ClinVar (database versions not stated): TOPMed 0.00001.
gnomAD v4.1: 1 of 1,613,892 alleles (0.000062%); no homozygotes.

Submission:

Labcorp Genetics (formerly Invitae), Labcorp
Classification: Uncertain significance. Last evaluated: 2020-03-10. Review status: criteria provided, single submitter. Criteria: Invitae Variant Classification Sherloc (09022015). Collection method: clinical testing. Allele origin: germline.
Comment: In summary, the available evidence is currently insufficient to determine the role of this variant in disease. Therefore, it has been classified as a Variant of Uncertain Significance. Algorithms developed to predict the effect of missense changes on protein structure and function output the following: SIFT: "Tolerated"; PolyPhen-2: "Benign"; Align-GVGD: "Class C0". The alanine amino acid residue is found in multiple mammalian species, suggesting that this missense change does not adversely affect protein function. These predictions have not been confirmed by published functional studies and their clinical significance is uncertain. This variant has not been reported in the literature in individuals with GALNT12-related conditions. This variant is not present in population databases (ExAC no frequency). This sequence change replaces serine with alanine at codon 555 of the GALNT12 protein (p.Ser555Ala). The serine residue is weakly conserved and there is a moderate physicochemical difference between serine and alanine.